The following is an entry in ClinVar:

ClinVar aggregate classification (germline): Uncertain significance (1 of 4 stars; one submission).

Allele frequency attached by ClinVar (database versions not stated): TOPMed below 0.00001.

Submission:

Labcorp Genetics (formerly Invitae), Labcorp
Classification: Uncertain significance. Last evaluated: 2022-11-14. Review status: criteria provided, single submitter. Criteria: Invitae Variant Classification Sherloc (09022015). Collection method: clinical testing. Allele origin: germline.
Comment: In summary, the available evidence is currently insufficient to determine the role of this variant in disease. Therefore, it has been classified as a Variant of Uncertain Significance. Algorithms developed to predict the effect of missense changes on protein structure and function (SIFT, PolyPhen-2, Align-GVGD) all suggest that this variant is likely to be tolerated. This variant has not been reported in the literature in individuals affected with TRIM8-related conditions. This variant is not present in population databases (gnomAD no frequency). This sequence change replaces aspartic acid, which is acidic and polar, with asparagine, which is neutral and polar, at codon 139 of the TRIM8 protein (p.Asp139Asn).

NM_030912.3(TRIM8):c.415G>A (p.Asp139Asn)

Gene: TRIM8 (tripartite motif containing 8; plus strand). Cytogenetic location: 10q24.32.
Variant type: single nucleotide variant.
Coding change: c.415G>A on transcript NM_030912.3 (MANE Select); coding-DNA position 415, G replaced by A.
Protein change: p.Asp139Asn; replaces aspartic acid 139 with asparagine.
Molecular consequence: missense variant. On other transcripts: non-coding transcript variant (1).
Genome position (GRCh38, 1-based): chr10:102,645,032, G>A. VCF-style: chr10-102645032-G-A. GRCh37 (hg19) VCF-style: chr10-104404789-G-A.
Other names: c.415G>A, p.Asp139Asn (NM_001345950.1); short protein forms D139N.
Identifiers: ClinVar variation 2895075 (VCV002895075.3), dbSNP rs1732661914, ClinGen allele CA377925283.